The following is an entry in ClinVar:

NM_015338.6(ASXL1):c.497G>A (p.Gly166Glu)

Gene: ASXL1 (ASXL transcriptional regulator 1; plus strand). Cytogenetic location: 20q11.21.
Variant type: single nucleotide variant.
Coding change: c.497G>A on transcript NM_015338.6 (MANE Select); coding-DNA position 497, G replaced by A.
Protein change: p.Gly166Glu; replaces glycine 166 with glutamic acid.
Molecular consequence: missense variant.
Genome position (GRCh38, 1-based): chr20:32,429,363, G>A. VCF-style: chr20-32429363-G-A. GRCh37 (hg19) VCF-style: chr20-31017166-G-A.
Other names: c.467G>A, p.Gly156Glu (NM_001363734.1); short protein forms G166E, G156E.
Identifiers: ClinVar variation 3791645 (VCV003791645.1).

ClinVar aggregate classification (germline): Uncertain significance (1 of 4 stars; one submission).

Conditions:
Inborn genetic diseases. Identifiers: MedGen C0950123, MeSH D030342.

gnomAD v4.1: 4 of 1,614,162 alleles (0.00025%); highest among the groups gnomAD compares: Non-Finnish European, 0.00025%; no homozygotes.

Submission:

Ambry Genetics
Classification: Uncertain significance for Inborn genetic diseases. Last evaluated: 2024-12-27. Review status: criteria provided, single submitter. Criteria: Ambry Variant Classification Scheme 2023. Collection method: clinical testing. Allele origin: germline.
Comment: The p.G166E variant (also known as c.497G>A), located in coding exon 7 of the ASXL1 gene, results from a G to A substitution at nucleotide position 497. The glycine at codon 166 is replaced by glutamic acid, an amino acid with similar properties. This amino acid position is conserved. In addition, this alteration is predicted to be tolerated by in silico analysis. Based on the available evidence, the clinical significance of this variant remains unclear.